The following is an entry in ClinVar:

NM_001366145.2(TRPM3):c.1941T>C (p.Pro647=)

Gene: TRPM3 (transient receptor potential cation channel subfamily M member 3; minus strand). Cytogenetic location: 9q21.12.
Variant type: single nucleotide variant.
Coding change: c.1941T>C on transcript NM_001366145.2 (MANE Select); coding-DNA position 1941, T replaced by C.
Protein change: p.Pro647=; no amino-acid change (proline 647 retained).
Molecular consequence: synonymous variant.
Genome position (GRCh38, 1-based): chr9:70,620,264, A>G on the plus strand (T>C on the coding strand, the complement: TRPM3 is on the minus strand). VCF-style: chr9-70620264-A-G. GRCh37 (hg19) VCF-style: chr9-73235180-A-G.
Other names: c.1905T>C, p.Pro635= (NM_001007471.4, NM_001366151.2); c.1911T>C, p.Pro637= (NM_001366141.2, NM_001366143.2, NM_001366149.2); c.1947T>C, p.Pro649= (NM_001366142.2); c.1941T>C, p.Pro647= (NM_001366146.2); c.2016T>C, p.Pro672= (NM_001366147.2, NM_001366152.2); c.1986T>C, p.Pro662= (NM_001366148.2); c.1875T>C, p.Pro625= (NM_001366150.2); c.1482T>C, p.Pro494= (NM_001366154.2, NM_024971.7); and 5 more.
Identifiers: ClinVar variation 3036867 (VCV003036867.2), dbSNP rs367974145, ClinGen allele CA5078412.
Genomic context (GRCh38, chr9:70,620,264, plus strand): 5'-GAAGAACAGGGCCATCTTCTGCCGCTTCATGAGAACAGCCCACACCATGAGCTCATGGAA[A>G]GGGAAGGGGAAGTGGTTGATCTCAGGATCATCCAAGTCAATGTCCACCTCTTCTTCACGT-3'
Protein context (NP_001353074.1, residues 637-657): DDPEINHFPF[Pro647=]FHELMVWAVL

ClinVar aggregate classification (germline): Benign (0 of 4 stars; one submission).

Conditions:
TRPM3-related disorder. Also called: TRPM3-related condition.

Allele frequency attached by ClinVar (database versions not stated): TOPMed 0.00016; gnomAD 0.00065; ExAC 0.00258; 1000 Genomes Project 30x 0.00453; 1000 Genomes Project 0.00519.
gnomAD v4.1: 1,804 of 1,614,256 alleles (0.11%); highest among the groups gnomAD compares: South Asian, 1.7%; 30 homozygotes.

Submission:

PreventionGenetics, part of Exact Sciences
Classification: Benign for TRPM3-related condition. Last evaluated: 2019-04-03. Review status: no assertion criteria provided. Collection method: clinical testing. Allele origin: germline.
Comment: This variant is classified as benign based on ACMG/AMP sequence variant interpretation guidelines (Richards et al. 2015 PMID: 25741868, with internal and published modifications).